The following is an entry in ClinVar:

NM_004387.4(NKX2-5):c.49A>T (p.Ile17Phe)

Gene: NKX2-5 (NK2 homeobox 5; minus strand). Cytogenetic location: 5q35.1.
Variant type: single nucleotide variant.
Coding change: c.49A>T on transcript NM_004387.4 (MANE Select); coding-DNA position 49, A replaced by T.
Protein change: p.Ile17Phe; replaces isoleucine 17 with phenylalanine.
Molecular consequence: missense variant.
Genome position (GRCh38, 1-based): chr5:173,235,035, T>A on the plus strand (A>T on the coding strand, the complement: NKX2-5 is on the minus strand). VCF-style: chr5-173235035-T-A. GRCh37 (hg19) VCF-style: chr5-172662038-T-A.
Other names: c.49A>T, p.Ile17Phe (NM_001166175.2, NM_001166176.2); short protein forms I17F.
Identifiers: ClinVar variation 3879783 (VCV003879783.1).

ClinVar aggregate classification (germline): Uncertain significance (1 of 4 stars; one submission).

Conditions:
Cardiovascular phenotype. Identifiers: MedGen CN230736.

Submission:

Ambry Genetics
Classification: Uncertain significance for Cardiovascular phenotype. Last evaluated: 2024-12-28. Review status: criteria provided, single submitter. Criteria: Ambry Variant Classification Scheme 2023. Collection method: clinical testing. Allele origin: germline.
Comment: The p.I17F variant (also known as c.49A>T), located in coding exon 1 of the NKX2-5 gene, results from an A to T substitution at nucleotide position 49. The isoleucine at codon 17 is replaced by phenylalanine, an amino acid with highly similar properties. This amino acid position is conserved. In addition, this alteration is predicted to be deleterious by in silico analysis. Based on the available evidence, the clinical significance of this variant remains unclear.